The following is an entry in ClinVar:

NM_000059.4(BRCA2):c.1748_1750delinsGG (p.Leu583fs)

Gene: BRCA2 (BRCA2 DNA repair associated; plus strand). Cytogenetic location: 13q13.1.
Variant type: Indel.
Coding change: c.1748_1750delinsGG on transcript NM_000059.4 (MANE Select); coding-DNA positions 1748 to 1750, TGA replaced by GG.
Protein change: p.Leu583fs; shifts the reading frame from leucine 583.
Molecular consequence: frameshift variant. On other transcripts: non-coding transcript variant (1), intron variant (1).
Genome position (GRCh38, 1-based): chr13:32,333,226-32,333,228, TGA replaced by GG. VCF-style: chr13-32333226-TGA-GG. GRCh37 (hg19) VCF-style: chr13-32907363-TGA-GG.
Other names: c.1748_1750delinsGG, p.Leu583fs (NM_001406719.1, NM_001406720.1, NM_001406721.1); c.424+2196_424+2198delinsGG (NM_001406722.1); short protein forms L583fs.
Identifiers: ClinVar variation 2573294 (VCV002573294.1), dbSNP rs2548520933, ClinGen allele CA2580614654.

ClinVar aggregate classification (germline): Pathogenic (1 of 4 stars; one submission).

Conditions:
Breast-ovarian cancer, familial, susceptibility to, 2 (BROVCA2). Also called: BRCA2 Hereditary Breast and Ovarian Cancer. Identifiers: Orphanet 145, MedGen C2675520, MONDO:0012933, OMIM 612555. Disease mechanism: loss of function.

Submission:

Myriad Genetics, Inc.
Classification: Pathogenic for Breast-ovarian cancer, familial, susceptibility to, 2. Last evaluated: 2023-02-08. Review status: criteria provided, single submitter. Criteria: Myriad Autosomal Dominant, Autosomal Recessive and X-Linked Classification Criteria (2023). Collection method: clinical testing. Allele origin: unknown.
Comment: This variant is considered pathogenic. This variant creates a frameshift predicted to result in premature protein truncation.